The following is an entry in ClinVar:

NM_000057.4(BLM):c.2947G>C (p.Asp983His)

Gene: BLM (BLM RecQ like helicase; plus strand). Cytogenetic location: 15q26.1.
Variant type: single nucleotide variant.
Coding change: c.2947G>C on transcript NM_000057.4 (MANE Select); coding-DNA position 2947, G replaced by C.
Protein change: p.Asp983His; replaces aspartic acid 983 with histidine.
Molecular consequence: missense variant.
Genome position (GRCh38, 1-based): chr15:90,790,772, G>C. VCF-style: chr15-90790772-G-C. GRCh37 (hg19) VCF-style: chr15-91334002-G-C.
Other names: c.2947G>C, p.Asp983His (NM_001287246.2, NM_001287247.2); c.1822G>C, p.Asp608His (NM_001287248.2); short protein forms D608H, D983H.
Identifiers: ClinVar variation 4867502 (VCV004867502.1).

ClinVar aggregate classification (germline): Uncertain significance (1 of 4 stars; one submission).

Conditions:
Hereditary cancer-predisposing syndrome. Also called: Neoplastic Syndromes, Hereditary; Tumor predisposition; Hereditary Cancer Syndrome; Hereditary neoplastic syndrome. Identifiers: Orphanet 140162, MedGen C0027672, MeSH D009386, MONDO:0015356.

gnomAD v4.1: 1 of 1,614,188 alleles (0.000062%); highest among the groups gnomAD compares: Non-Finnish European, 0.000085%; no homozygotes.

Submission:

Ambry Genetics
Classification: Uncertain significance for Hereditary cancer-predisposing syndrome. Last evaluated: 2026-05-04. Review status: criteria provided, single submitter. Criteria: Ambry Variant Classification Scheme 2023. Collection method: clinical testing. Allele origin: germline.
Comment: The p.D983H variant (also known as c.2947G>C), located in coding exon 14 of the BLM gene, results from a G to C substitution at nucleotide position 2947. The aspartic acid at codon 983 is replaced by histidine, an amino acid with similar properties. This amino acid position is conserved. In addition, this alteration is predicted to be deleterious by in silico analysis. Based on the available evidence, the clinical significance of this variant remains unclear.